The following is an entry in ClinVar:

NM_001845.6(COL4A1):c.616-11_616-10delinsCA

Gene: COL4A1 (collagen type IV alpha 1 chain; minus strand). Cytogenetic location: 13q34.
Variant type: Indel.
Coding change: c.616-11_616-10delinsCA on transcript NM_001845.6 (MANE Select); 11 bases into the intron before coding-DNA position 616 through 10 bases into the intron before coding-DNA position 616, GT replaced by CA.
Molecular consequence: intron variant.
Genome position (GRCh38, 1-based): chr13:110,209,437-110,209,438, AC replaced by TG on the plus strand (GT replaced by CA on the coding strand, the reverse complement: COL4A1 is on the minus strand). VCF-style: chr13-110209437-AC-TG. GRCh37 (hg19) VCF-style: chr13-110861784-AC-TG.
Other names: c.616-11_616-10delinsCA (NM_001303110.2).
Identifiers: ClinVar variation 4811093 (VCV004811093.1).

ClinVar aggregate classification (germline): Uncertain significance (1 of 4 stars; one submission).

Submission:

Labcorp Genetics (formerly Invitae), Labcorp
Classification: Uncertain significance. Last evaluated: 2025-11-13. Review status: criteria provided, single submitter. Criteria: Invitae Variant Classification Sherloc (09022015). Collection method: clinical testing. Allele origin: germline.
Comment: This sequence change falls in intron 10 of the COL4A1 gene. It does not directly change the encoded amino acid sequence of the COL4A1 protein. Information on the frequency of this variant in the gnomAD database is not available, as this variant may be reported differently in the database. This variant has not been reported in the literature in individuals affected with COL4A1-related conditions. Experimental studies and prediction algorithms are not available or were not evaluated, and the effect of this variant on mRNA splicing is currently unknown. In summary, the available evidence is currently insufficient to determine the role of this variant in disease. Therefore, it has been classified as a Variant of Uncertain Significance.